The following is an entry in ClinVar:

ClinVar aggregate classification (germline): Uncertain significance (1 of 4 stars; one submission).

Conditions:
Atrial fibrillation, familial, 7 (ATFB7). Identifiers: MedGen C2677106, MONDO:0012828, OMIM 612240.

Submission:

Labcorp Genetics (formerly Invitae), Labcorp
Classification: Uncertain significance for Atrial fibrillation, familial, 7. Last evaluated: 2025-11-11. Review status: criteria provided, single submitter. Criteria: Invitae Variant Classification Sherloc (09022015). Collection method: clinical testing. Allele origin: germline.
Comment: This sequence change replaces arginine, which is basic and polar, with proline, which is neutral and non-polar, at codon 87 of the KCNA5 protein (p.Arg87Pro). This variant is not present in population databases (gnomAD no frequency). This variant has not been reported in the literature in individuals affected with KCNA5-related conditions. An algorithm developed to predict the effect of missense changes on protein structure and function outputs the following: PolyPhen-2: "Benign". The proline amino acid residue is found in multiple mammalian species, which suggests that this missense change does not adversely affect protein function. In summary, the available evidence is currently insufficient to determine the role of this variant in disease. Therefore, it has been classified as a Variant of Uncertain Significance.

NM_002234.4(KCNA5):c.260G>C (p.Arg87Pro)

Gene: KCNA5 (potassium voltage-gated channel subfamily A member 5; plus strand). Cytogenetic location: 12p13.32.
Variant type: single nucleotide variant.
Coding change: c.260G>C on transcript NM_002234.4 (MANE Select); coding-DNA position 260, G replaced by C.
Protein change: p.Arg87Pro; replaces arginine 87 with proline.
Molecular consequence: missense variant.
Genome position (GRCh38, 1-based): chr12:5,044,407, G>C. VCF-style: chr12-5044407-G-C. GRCh37 (hg19) VCF-style: chr12-5153573-G-C.
Other names: short protein forms R87P.
Identifiers: ClinVar variation 4730539 (VCV004730539.1).